The following is an entry in ClinVar:

NM_173728.4(ARHGEF15):c.781G>A (p.Val261Ile)

Gene: ARHGEF15 (Rho guanine nucleotide exchange factor 15; plus strand). Cytogenetic location: 17p13.1.
Variant type: single nucleotide variant.
Coding change: c.781G>A on transcript NM_173728.4 (MANE Select); coding-DNA position 781, G replaced by A.
Protein change: p.Val261Ile; replaces valine 261 with isoleucine.
Molecular consequence: missense variant.
Genome position (GRCh38, 1-based): chr17:8,313,101, G>A. VCF-style: chr17-8313101-G-A. GRCh37 (hg19) VCF-style: chr17-8216419-G-A.
Other names: c.781G>A (NM_173728.3); c.781G>A, p.Val261Ile (NM_025014.2); short protein forms V261I.
Identifiers: ClinVar variation 1503939 (VCV001503939.8), dbSNP rs773458439, ClinGen allele CA8374984.

ClinVar aggregate classification (germline): Uncertain significance. Review status: criteria provided, multiple submitters, no conflicts (2 of 4 stars). 2 submissions from 2 submitters: Uncertain significance (2). Last evaluated 2025-11-12.

Conditions:
Early-infantile DEE. Also called: Early infantile epileptic encephalopathy; Early infantile epileptic encephalopathy with suppression bursts; Ohtahara syndrome. Identifiers: Orphanet 1934, MedGen C0393706, MONDO:0800491.

Allele frequency attached by ClinVar (database versions not stated): ExAC 0.00007; gnomAD 0.00007 and 0.00008; gnomAD exomes 0.00008; TOPMed 0.00010.

Submissions (2):

Labcorp Genetics (formerly Invitae), Labcorp
Classification: Uncertain significance for Early-infantile DEE. Last evaluated: 2025-11-12. Review status: criteria provided, single submitter. Criteria: Invitae Variant Classification Sherloc (09022015). Collection method: clinical testing. Allele origin: germline.
Comment: This sequence change replaces valine, which is neutral and non-polar, with isoleucine, which is neutral and non-polar, at codon 261 of the ARHGEF15 protein (p.Val261Ile). This variant is present in population databases (rs773458439, gnomAD 0.07%), and has an allele count higher than expected for a pathogenic variant. This variant has not been reported in the literature in individuals affected with ARHGEF15-related conditions. ClinVar contains an entry for this variant (Variation ID: 1503939). An algorithm developed to predict the effect of missense changes on protein structure and function (PolyPhen-2) suggests that this variant is likely to be disruptive. In summary, the available evidence is currently insufficient to determine the role of this variant in disease. Therefore, it has been classified as a Variant of Uncertain Significance.

Ambry Genetics
Classification: Uncertain significance. Last evaluated: 2023-10-10. Review status: criteria provided, single submitter. Criteria: Ambry Variant Classification Scheme 2023. Collection method: clinical testing. Allele origin: germline.